The following is an entry in ClinVar:

NM_005876.5(SPEG):c.8599G>A (p.Val2867Ile)

Genes: ASIC4-AS1 (ASIC4 antisense RNA 1; minus strand), SPEG (striated muscle enriched protein kinase; plus strand). Cytogenetic location: 2q35.
Variant type: single nucleotide variant.
Coding change: c.8599G>A on transcript NM_005876.5 (MANE Select); coding-DNA position 8599, G replaced by A.
Protein change: p.Val2867Ile; replaces valine 2867 with isoleucine.
Molecular consequence: missense variant.
Genome position (GRCh38, 1-based): chr2:219,489,617, G>A. VCF-style: chr2-219489617-G-A. GRCh37 (hg19) VCF-style: chr2-220354339-G-A.
Other names: short protein forms V2867I.
Identifiers: ClinVar variation 1358206 (VCV001358206.4), dbSNP rs202240234, ClinGen allele CA2127530.

ClinVar aggregate classification (germline): Uncertain significance (1 of 4 stars; one submission).

Allele frequency attached by ClinVar (database versions not stated): ExAC 0.00003; gnomAD exomes 0.00003 and 0.00004; ESP Exome Variant Server 0.00008; TOPMed 0.00014; gnomAD 0.00016 and 0.00017; 1000 Genomes Project 0.00020; 1000 Genomes Project 30x 0.00031.

Submission:

Labcorp Genetics (formerly Invitae), Labcorp
Classification: Uncertain significance. Last evaluated: 2025-12-16. Review status: criteria provided, single submitter. Criteria: Invitae Variant Classification Sherloc (09022015). Collection method: clinical testing. Allele origin: germline.
Comment: This sequence change replaces valine, which is neutral and non-polar, with isoleucine, which is neutral and non-polar, at codon 2867 of the SPEG protein (p.Val2867Ile). This variant is present in population databases (rs202240234, gnomAD 0.05%). This variant has not been reported in the literature in individuals affected with SPEG-related conditions. ClinVar contains an entry for this variant (Variation ID: 1358206). An algorithm developed to predict the effect of missense changes on protein structure and function outputs the following: PolyPhen-2: "Benign". The isoleucine amino acid residue is found in multiple mammalian species, which suggests that this missense change does not adversely affect protein function. In summary, the available evidence is currently insufficient to determine the role of this variant in disease. Therefore, it has been classified as a Variant of Uncertain Significance.